The following is an entry in ClinVar:

ClinVar aggregate classification (germline): Benign. Review status: reviewed by expert panel (3 of 4 stars). 2 submissions from 2 submitters: Benign (1). 1 of the submissions does not count toward it. Last evaluated 2015-01-12.

Conditions:
Breast-ovarian cancer, familial, susceptibility to, 1 (BROVCA1). Also called: BRCA1 Hereditary Breast and Ovarian Cancer; OVARIAN CANCER, SUSCEPTIBILITY TO. Identifiers: Orphanet 145, MedGen C2676676, MONDO:0011450, OMIM 604370. Disease mechanism: loss of function.

Allele frequency attached by ClinVar (database versions not stated): TOPMed 0.27255; gnomAD 0.28533 and 0.29373; 1000 Genomes Project 30x 0.31668; 1000 Genomes Project 0.32428.
gnomAD v4.1: 44,689 of 151,986 alleles (29%); highest among the groups gnomAD compares: South Asian, 49%; 7,173 homozygotes.

Submissions (2):

Evidence-based Network for the Interpretation of Germline Mutant Alleles (ENIGMA)
Classification: Benign for Breast-ovarian cancer, familial 1. Last evaluated: 2015-01-12. Review status: reviewed by expert panel. Criteria: ENIGMA BRCA1/2 Classification Criteria (2015). Collection method: curation. Allele origin: germline.
Comment: Class 1 not pathogenic based on frequency >1% in an outbred sampleset. Frequency 0.3304 (Asian), 0.128 (African), 0.3575 (European), derived from 1000 genomes (2012-04-30).

Breakthrough Genomics
Classification: Benign. Review status: criteria provided, single submitter. Criteria: ACMG Guidelines, 2015. Collection method: not provided. Allele origin: germline. Inheritance: Autosomal recessive inheritance. Affected: yes. Not counted in ClinVar's aggregate classification.

NM_007294.4(BRCA1):c.5193+1457G>A

Gene: BRCA1 (BRCA1 DNA repair associated; minus strand). Cytogenetic location: 17q21.31.
Variant type: single nucleotide variant.
Coding change: c.5193+1457G>A on transcript NM_007294.4 (MANE Select); 1457 bases into the intron after coding-DNA position 5193, G replaced by A.
Molecular consequence: intron variant.
Genome position (GRCh38, 1-based): chr17:43,061,876, C>T on the plus strand (G>A on the coding strand, the complement: BRCA1 is on the minus strand). VCF-style: chr17-43061876-C-T. GRCh37 (hg19) VCF-style: chr17-41213893-C-T.
Other names: IVS 19+1457G>A; c.4686+1457G>A (NM_001407965.1); c.4926+1457G>A (NM_001407930.1, NM_001407933.1, NM_001407927.1 and 4 more transcripts); c.5046+1457G>A (NM_001407843.1, NM_001407847.1, NM_001407841.1 and 12 more transcripts); c.1743+1457G>A (NM_001408456.1, NM_001408453.1, NM_001408455.1 and 3 more transcripts); c.5049+1457G>A (NM_001407733.1, NM_001407751.1, NM_001407740.1 and 21 more transcripts); c.5052+1457G>A (NM_001407942.1, NM_001407694.1, NM_001407696.1 and 13 more transcripts); c.1740+1457G>A (NM_001408465.1, NM_001408463.1, NM_001408462.1 and 7 more transcripts); and 73 more.
Identifiers: ClinVar variation 209317 (VCV000209317.3), dbSNP rs2187603, ClinGen allele CA276289.